The following is an entry in ClinVar:

ClinVar aggregate classification (germline): Likely benign (0 of 4 stars; one submission).

Conditions:
BIRC6-related disorder. Also called: BIRC6-related condition.

Allele frequency attached by ClinVar (database versions not stated): gnomAD 0.00004; ExAC 0.00007.
gnomAD v4.1: 104 of 1,612,860 alleles (0.0064%); highest among the groups gnomAD compares: Middle Eastern, 0.05%; no homozygotes.

Submission:

PreventionGenetics, part of Exact Sciences
Classification: Likely benign for BIRC6-related condition. Last evaluated: 2019-05-24. Review status: no assertion criteria provided. Collection method: clinical testing. Allele origin: germline.
Comment: This variant is classified as likely benign based on ACMG/AMP sequence variant interpretation guidelines (Richards et al. 2015 PMID: 25741868, with internal and published modifications).

NM_016252.4(BIRC6):c.12795C>T (p.Ser4265=)

Gene: BIRC6 (baculoviral IAP repeat containing 6; plus strand). Cytogenetic location: 2p22.3.
Variant type: single nucleotide variant.
Coding change: c.12795C>T on transcript NM_016252.4 (MANE Select); coding-DNA position 12795, C replaced by T.
Protein change: p.Ser4265=; no amino-acid change (serine 4265 retained).
Molecular consequence: synonymous variant.
Genome position (GRCh38, 1-based): chr2:32,545,845, C>T. VCF-style: chr2-32545845-C-T. GRCh37 (hg19) VCF-style: chr2-32770912-C-T.
Other names: c.12792C>T, p.Ser4264= (NM_001378125.1).
Identifiers: ClinVar variation 3038499 (VCV003038499.2), dbSNP rs775276590, ClinGen allele CA1605357.